The following is an entry in ClinVar:

ClinVar aggregate classification (germline): Uncertain significance (1 of 4 stars; one submission).

gnomAD v4.1: 6 of 1,608,508 alleles (0.00037%); highest among the groups gnomAD compares: Non-Finnish European, 0.00051%; no homozygotes.

Submission:

Labcorp Genetics (formerly Invitae), Labcorp
Classification: Uncertain significance. Last evaluated: 2022-07-12. Review status: criteria provided, single submitter. Criteria: Invitae Variant Classification Sherloc (09022015). Collection method: clinical testing. Allele origin: germline.
Comment: This variant has not been reported in the literature in individuals affected with BCAT2-related conditions. In summary, the available evidence is currently insufficient to determine the role of this variant in disease. Therefore, it has been classified as a Variant of Uncertain Significance. Algorithms developed to predict the effect of missense changes on protein structure and function are either unavailable or do not agree on the potential impact of this missense change (SIFT: "Tolerated"; PolyPhen-2: "Possibly Damaging"; Align-GVGD: "Class C0"). The frequency data for this variant in the population databases is considered unreliable, as metrics indicate poor data quality at this position in the gnomAD database. This sequence change replaces glycine, which is neutral and non-polar, with tryptophan, which is neutral and slightly polar, at codon 7 of the BCAT2 protein (p.Gly7Trp).

NM_001190.4(BCAT2):c.19G>T (p.Gly7Trp)

Genes: BCAT2 (branched chain amino acid transaminase 2; minus strand), LOC121627884 (Sharpr-MPRA regulatory region 11839; plus strand). Cytogenetic location: 19q13.33.
Variant type: single nucleotide variant.
Coding change: c.19G>T on transcript NM_001190.4 (MANE Select); coding-DNA position 19, G replaced by T.
Protein change: p.Gly7Trp; replaces glycine 7 with tryptophan.
Molecular consequence: missense variant. On other transcripts: 5 prime UTR variant (1).
Genome position (GRCh38, 1-based): chr19:48,810,989, C>A on the plus strand (G>T on the coding strand, the complement: BCAT2 is on the minus strand). VCF-style: chr19-48810989-C-A. GRCh37 (hg19) VCF-style: chr19-49314246-C-A.
Other names: c.19G>T, p.Gly7Trp (NM_001164773.2); c.-583G>T (NM_001284325.2); short protein forms G7W.
Identifiers: ClinVar variation 2042432 (VCV002042432.4), dbSNP rs1417384760, ClinGen allele CA406729163.
Genomic context (GRCh38, chr19:48,810,989, plus strand): 5'-GAAGTGCGCCTCCCCCGGTTATTTCCCAGACCCCGGCGCGGGGCTGCGAACCCACCTGCC[C>A]CAGAGCGGCTGCGGCCATGATCCGTGCGGCGCGTAACTGTGCCCGCCCGGGGCGCGGCTC-3'
Protein context (NP_001181.2, residues 1-17): MAAAAL[Gly7Trp]QIWARKLLSV